The following is an entry in ClinVar:

ClinVar aggregate classification (germline): Uncertain significance. Review status: criteria provided, multiple submitters, no conflicts (2 of 4 stars). 2 submissions from 2 submitters: Uncertain significance (2). Last evaluated 2025-09-02.

Conditions:
Fanconi anemia (FA). Also called: Fanconi's anemia. Identifiers: Orphanet 84, MedGen C0015625, MeSH D005199, MONDO:0019391.
Fanconi anemia complementation group P. Also called: SLX4-Related Fanconi Anemia. Identifiers: Orphanet 84, MedGen C3469542, MONDO:0013499, OMIM 613951.

Allele frequency attached by ClinVar (database versions not stated): TOPMed below 0.00001; gnomAD 0.00001.

Submissions (2):

Labcorp Genetics (formerly Invitae), Labcorp
Classification: Uncertain significance for Fanconi anemia. Last evaluated: 2025-09-02. Review status: criteria provided, single submitter. Criteria: Invitae Variant Classification Sherloc (09022015). Collection method: clinical testing. Allele origin: germline.
Comment: This sequence change replaces proline, which is neutral and non-polar, with serine, which is neutral and polar, at codon 585 of the SLX4 protein (p.Pro585Ser). This variant is not present in population databases (gnomAD no frequency). This variant has not been reported in the literature in individuals affected with SLX4-related conditions. ClinVar contains an entry for this variant (Variation ID: 1389755). An algorithm developed to predict the effect of missense changes on protein structure and function (PolyPhen-2) suggests that this variant is likely to be tolerated. In summary, the available evidence is currently insufficient to determine the role of this variant in disease. Therefore, it has been classified as a Variant of Uncertain Significance.

Fulgent Genetics
Classification: Uncertain significance for Fanconi anemia complementation group P. Last evaluated: 2022-02-01. Review status: criteria provided, single submitter. Criteria: ACMG Guidelines, 2015. Collection method: clinical testing. Allele origin: unknown.

NM_032444.4(SLX4):c.1753C>T (p.Pro585Ser)

Gene: SLX4 (SLX4 structure-specific endonuclease subunit; minus strand). Cytogenetic location: 16p13.3.
Variant type: single nucleotide variant.
Coding change: c.1753C>T on transcript NM_032444.4 (MANE Select); coding-DNA position 1753, C replaced by T.
Protein change: p.Pro585Ser; replaces proline 585 with serine.
Molecular consequence: missense variant.
Genome position (GRCh38, 1-based): chr16:3,596,324, G>A on the plus strand (C>T on the coding strand, the complement: SLX4 is on the minus strand). VCF-style: chr16-3596324-G-A. GRCh37 (hg19) VCF-style: chr16-3646325-G-A.
Other names: short protein forms P585S.
Identifiers: ClinVar variation 1389755 (VCV001389755.7), dbSNP rs2040658116, ClinGen allele CA394527584.